The following is an entry in ClinVar:

ClinVar aggregate classification (germline): Uncertain significance (1 of 4 stars; one submission).

Submission:

Women's Health and Genetics/Laboratory Corporation of America, LabCorp
Classification: Uncertain significance. Last evaluated: 2024-04-08. Review status: criteria provided, single submitter. Criteria: LabCorp Variant Classification Summary - May 2015. Collection method: clinical testing. Allele origin: germline.
Comment: Variant summary: AIRE c.65T>G (p.Val22Gly) results in a non-conservative amino acid change in the encoded protein sequence. Five of five in-silico tools predict a damaging effect of the variant on protein function. The variant was absent in 139092 control chromosomes (gnomAD). The available data on variant occurrences in the general population are insufficient to allow any conclusion about variant significance. To our knowledge, no occurrence of c.65T>G in individuals affected with Autoimmune Polyglandular Syndrome Type 1 and no experimental evidence demonstrating its impact on protein function have been reported. ClinVar contains an entry for this variant (Variation ID: 2501072). Based on the evidence outlined above, the variant was classified as uncertain significance.

NM_000383.4(AIRE):c.65T>G (p.Val22Gly)

Gene: AIRE (autoimmune regulator; plus strand). Cytogenetic location: 21q22.3.
Variant type: single nucleotide variant.
Coding change: c.65T>G on transcript NM_000383.4 (MANE Select); coding-DNA position 65, T replaced by G.
Protein change: p.Val22Gly; replaces valine 22 with glycine.
Molecular consequence: missense variant.
Genome position (GRCh38, 1-based): chr21:44,286,071, T>G. VCF-style: chr21-44286071-T-G. GRCh37 (hg19) VCF-style: chr21-45705954-T-G.
Other names: short protein forms V22G.
Identifiers: ClinVar variation 2501072 (VCV002501072.2), dbSNP rs2517875621, ClinGen allele CA410423035.
Genomic context (GRCh38, chr21:44,286,071, plus strand): 5'-CGACGGACGCGGCGCTACGCCGGCTTCTGAGGCTGCACCGCACGGAGATCGCGGTGGCCG[T>G]GGACAGCGCCTTCCCACTGCTGCACGCGCTGGCTGACCACGACGTGGTCCCCGAGGACAA-3'
Protein context (NP_000374.1, residues 12-32): RLHRTEIAVA[Val22Gly]DSAFPLLHAL